The following is an entry in ClinVar:

ClinVar aggregate classification (germline): Uncertain significance (1 of 4 stars; one submission).

Conditions:
Inborn genetic diseases. Identifiers: MedGen C0950123, MeSH D030342.

Submission:

Ambry Genetics
Classification: Uncertain significance for Inborn genetic diseases. Last evaluated: 2025-01-13. Review status: criteria provided, single submitter. Criteria: Ambry Variant Classification Scheme 2023. Collection method: clinical testing. Allele origin: germline.
Comment: The p.P885L variant (also known as c.2654C>T), located in coding exon 20 of the BUB1B gene, results from a C to T substitution at nucleotide position 2654. The proline at codon 885 is replaced by leucine, an amino acid with similar properties. This amino acid position is conserved. In addition, the in silico prediction for this alteration is inconclusive. Based on the available evidence, the clinical significance of this variant remains unclear.

NM_001211.6(BUB1B):c.2654C>T (p.Pro885Leu)

Gene: BUB1B (BUB1 mitotic checkpoint serine/threonine kinase B; plus strand). Cytogenetic location: 15q15.1.
Variant type: single nucleotide variant.
Coding change: c.2654C>T on transcript NM_001211.6 (MANE Select); coding-DNA position 2654, C replaced by T.
Protein change: p.Pro885Leu; replaces proline 885 with leucine.
Molecular consequence: missense variant.
Genome position (GRCh38, 1-based): chr15:40,213,450, C>T. VCF-style: chr15-40213450-C-T. GRCh37 (hg19) VCF-style: chr15-40505651-C-T.
Other names: short protein forms P885L.
Identifiers: ClinVar variation 3826096 (VCV003826096.1).